The following is an entry in ClinVar:

NM_001035.3(RYR2):c.1166G>A (p.Arg389His)

Gene: RYR2 (ryanodine receptor 2; plus strand). Cytogenetic location: 1q43.
Variant type: single nucleotide variant.
Coding change: c.1166G>A on transcript NM_001035.3 (MANE Select); coding-DNA position 1166, G replaced by A.
Protein change: p.Arg389His; replaces arginine 389 with histidine.
Molecular consequence: missense variant.
Genome position (GRCh38, 1-based): chr1:237,441,479, G>A. VCF-style: chr1-237441479-G-A. GRCh37 (hg19) VCF-style: chr1-237604779-G-A.
Other names: short protein forms R389H.
Identifiers: ClinVar variation 178114 (VCV000178114.28), dbSNP rs200685968, ClinGen allele CA007122.

ClinVar aggregate classification (germline): Uncertain significance. Review status: criteria provided, multiple submitters, no conflicts (2 of 4 stars). 9 submissions from 9 submitters: Uncertain significance (9). Last evaluated 2026-03-27.

Conditions:
Cardiovascular phenotype. Identifiers: MedGen CN230736.
Cardiomyopathy (CMYO). Also called: Cardiomyopathies. Identifiers: Orphanet 167848, MedGen C0878544, MONDO:0004994, HP:0001638. Inheritance: Various modes of inheritance.
Catecholaminergic polymorphic ventricular tachycardia 1. Also called: RYR2-Related Catecholaminergic Polymorphic Ventricular Tachycardia; VENTRICULAR TACHYCARDIA, STRESS-INDUCED POLYMORPHIC 1; VENTRICULAR TACHYCARDIA, CATECHOLAMINERGIC POLYMORPHIC, 1, WITH OR WITHOUT ATRIAL DYSFUNCTION AND/OR DILATED CARDIOMYOPATHY. Identifiers: Orphanet 3286, MedGen C1631597, MONDO:0011484, OMIM 604772.
Arrhythmogenic right ventricular dysplasia 2. Identifiers: MedGen C1832931.
Catecholaminergic polymorphic ventricular tachycardia (CVPT). Also called: Catecholamine-induced polymorphic ventricular tachycardia. Identifiers: Orphanet 3286, MedGen C5574922, MONDO:0017990.

Allele frequency attached by ClinVar (database versions not stated): gnomAD 0.00001; gnomAD exomes 0.00001 and 0.00002; TOPMed 0.00002; ExAC 0.00003; ESP Exome Variant Server 0.00017; 1000 Genomes Project 0.00020; 1000 Genomes Project 30x 0.00031.

Submissions (9):

Molecular Diagnostic Laboratory for Inherited Cardiovascular Disease, Montreal Heart Institute
Classification: Uncertain significance for Cardiovascular phenotype. Last evaluated: 2026-03-27. Review status: criteria provided, single submitter. Criteria: ACMG Guidelines, 2015. Collection method: clinical testing. Allele origin: germline. Affected: yes.
Comment: PM1, PM2, PP2

Labcorp Genetics (formerly Invitae), Labcorp
Classification: Uncertain significance for Catecholaminergic polymorphic ventricular tachycardia 1. Last evaluated: 2025-12-22. Review status: criteria provided, single submitter. Criteria: Invitae Variant Classification Sherloc (09022015). Collection method: clinical testing. Allele origin: germline.
Comment: This sequence change replaces arginine, which is basic and polar, with histidine, which is basic and polar, at codon 389 of the RYR2 protein (p.Arg389His). This variant is present in population databases (rs200685968, gnomAD 0.008%). This variant has not been reported in the literature in individuals affected with RYR2-related conditions. ClinVar contains an entry for this variant (Variation ID: 178114). Invitae Evidence Modeling of protein sequence and biophysical properties (such as structural, functional, and spatial information, amino acid conservation, physicochemical variation, residue mobility, and thermodynamic stability) indicates that this missense variant is expected to disrupt RYR2 protein function with a positive predictive value of 80%. In summary, the available evidence is currently insufficient to determine the role of this variant in disease. Therefore, it has been classified as a Variant of Uncertain Significance.

Color Diagnostics, LLC DBA Color Health
Classification: Uncertain significance for Cardiomyopathy. Last evaluated: 2025-08-04. Review status: criteria provided, single submitter. Criteria: ACMG Guidelines, 2015. Collection method: clinical testing. Allele origin: germline.
Comment: This missense variant replaces arginine with histidine at codon 389 of the RYR2 protein. Computational prediction suggests that this variant may have a deleterious impact on protein structure and function. To our knowledge, functional studies have not been reported for this variant. This variant has not been reported in individuals affected with RYR2-related disorders in the literature. This variant has been identified in 5/204502 chromosomes in the general population by the Genome Aggregation Database (gnomAD). The available evidence is insufficient to determine the role of this variant in disease conclusively. Therefore, this variant is classified as a Variant of Uncertain Significance.

Ambry Genetics
Classification: Uncertain significance for Cardiovascular phenotype. Last evaluated: 2025-06-13. Review status: criteria provided, single submitter. Criteria: Ambry Variant Classification Scheme 2023. Collection method: clinical testing. Allele origin: germline.
Comment: The p.R389H variant (also known as c.1166G>A), located in coding exon 13 of the RYR2 gene, results from a G to A substitution at nucleotide position 1166. The arginine at codon 389 is replaced by histidine, an amino acid with highly similar properties. This amino acid position is highly conserved in available vertebrate species. In addition, the in silico prediction for this alteration is inconclusive. Based on the available evidence, the clinical significance of this variant remains unclear.

All of Us Research Program, National Institutes of Health
Classification: Uncertain significance for Catecholaminergic polymorphic ventricular tachycardia. Last evaluated: 2023-12-13. Review status: criteria provided, single submitter. Criteria: ACMG Guidelines, 2015. Collection method: clinical testing. Allele origin: germline. Inheritance: Autosomal dominant inheritance. Observed: 4 variant alleles, 4 heterozygotes.
Comment: This missense variant replaces arginine with histidine at codon 389 of the RYR2 protein. Computational prediction suggests that this variant may have a deleterious impact on protein structure and function (internally defined REVEL score threshold >= 0.7, PMID: 27666373). To our knowledge, functional studies have not been reported for this variant. This variant has not been reported in individuals affected with RYR2-related disorders in the literature. This variant has been identified in 5/204502 chromosomes in the general population by the Genome Aggregation Database (gnomAD). The available evidence is insufficient to determine the role of this variant in disease conclusively. Therefore, this variant is classified as a Variant of Uncertain Significance.

This study involves interpretation of variants in research participants for the purpose of population health screening. Participant phenotype was not available at the time of variant classification. Additional details can be found in publication PMID: 35346344, PMCID: PMC8962531

GeneDx
Classification: Uncertain significance. Last evaluated: 2023-10-27. Review status: criteria provided, single submitter. Criteria: GeneDx Variant Classification Process June 2021. Collection method: clinical testing. Allele origin: germline. Affected: yes.
Comment: Not observed at significant frequency in large population cohorts (gnomAD); In silico analysis supports that this missense variant has a deleterious effect on protein structure/function; Has not been previously published as pathogenic or benign to our knowledge; Located in one of the three hot-spot regions of the RYR2 gene, where the majority of pathogenic missense variants occur (PMID: 19926015); This variant is associated with the following publications: (PMID: 19926015)

Blueprint Genetics
Classification: Uncertain significance. Last evaluated: 2021-03-13. Review status: criteria provided, single submitter. Criteria: ACMG Guidelines, 2015. Collection method: clinical testing. Allele origin: germline.

Fulgent Genetics
Classification: Uncertain significance for Catecholaminergic polymorphic ventricular tachycardia 1. Last evaluated: 2018-10-31. Review status: criteria provided, single submitter. Criteria: ACMG Guidelines, 2015. Collection method: clinical testing. Allele origin: unknown.

Laboratory for Molecular Medicine, Mass General Brigham Personalized Medicine
Classification: Uncertain significance. Last evaluated: 2014-01-02. Review status: criteria provided, single submitter. Criteria: LMM Criteria. Collection method: clinical testing. Allele origin: germline. Observed: 1 variant allele.
Comment: The Arg389His variant in RYR2 has not been previously reported in individuals wi th cardiomyopathy, but has been identified in 2/8200 European American chromosom es by the NHLBI Exome Sequencing Project (dbS NP rs200685968). This frequency is too low to rule out a role in disease. The af fected amino acid is well conserved in evolution, suggesting that a change may n ot be tolerated. This is consistent with computational predictions suggesting t hat the change to histidine (His) may impact the protein. In addition, this var iant is predicted to create a novel splice site that would disrupt the exon if u sed. However, the accuracy of these tools is unknown. In summary, additional in formation is needed to fully assess the clinical significance of the Arg389His v ariant.